The following is an entry in ClinVar:

ClinVar aggregate classification (germline): Pathogenic. Review status: criteria provided, multiple submitters, no conflicts (2 of 4 stars). 3 submissions from 3 submitters: Pathogenic (3). Last evaluated 2025-08-04.

Conditions:
Hereditary cancer-predisposing syndrome. Also called: Neoplastic Syndromes, Hereditary; Hereditary neoplastic syndrome; Tumor predisposition; Hereditary Cancer Syndrome. Identifiers: Orphanet 140162, MedGen C0027672, MeSH D009386, MONDO:0015356.
Hereditary breast ovarian cancer syndrome. Also called: Breast and ovarian cancer; Hereditary breast and ovarian cancer syndrome (HBOC); BRCA1- and BRCA2-Associated Hereditary Breast and Ovarian Cancer; Hereditary breast and/or ovarian cancer syndrome; Hereditary breast and ovarian cancer syndrome; Hereditary breast and ovarian cancer. Identifiers: Orphanet 145, MedGen C0677776, MeSH D061325, MONDO:0003582. Disease mechanism: loss of function.
Breast-ovarian cancer, familial, susceptibility to, 2 (BROVCA2). Also called: BRCA2 Hereditary Breast and Ovarian Cancer. Identifiers: Orphanet 145, MedGen C2675520, MONDO:0012933, OMIM 612555. Disease mechanism: loss of function.

Submissions (3):

Labcorp Genetics (formerly Invitae), Labcorp
Classification: Pathogenic for Hereditary breast ovarian cancer syndrome. Last evaluated: 2025-08-04. Review status: criteria provided, single submitter. Criteria: Invitae Variant Classification Sherloc (09022015). Collection method: clinical testing. Allele origin: germline.
Comment: This sequence change creates a premature translational stop signal (p.Cys822*) in the BRCA2 gene. It is expected to result in an absent or disrupted protein product. Loss-of-function variants in BRCA2 are known to be pathogenic (PMID: 20104584). This variant is not present in population databases (gnomAD no frequency). This variant has not been reported in the literature in individuals affected with BRCA2-related conditions. ClinVar contains an entry for this variant (Variation ID: 837131). For these reasons, this variant has been classified as Pathogenic.

Molecular Pathology, Peter Maccallum Cancer Centre
Classification: Pathogenic for Breast-ovarian cancer, familial, susceptibility to, 2. Last evaluated: 2024-01-22. Review status: criteria provided, single submitter. Criteria: ACMG Guidelines, 2015. Collection method: clinical testing. Allele origin: germline. Inheritance: Autosomal dominant inheritance.

Ambry Genetics
Classification: Pathogenic for Hereditary cancer-predisposing syndrome. Last evaluated: 2023-08-03. Review status: criteria provided, single submitter. Criteria: Ambry Variant Classification Scheme 2023. Collection method: clinical testing. Allele origin: germline.
Comment: The p.C822* pathogenic mutation (also known as c.2466T>A), located in coding exon 10 of the BRCA2 gene, results from a T to A substitution at nucleotide position 2466. This changes the amino acid from a cysteine to a stop codon within coding exon 10. This variant is considered to be rare based on population cohorts in the Genome Aggregation Database (gnomAD). This alteration is expected to result in loss of function by premature protein truncation or nonsense-mediated mRNA decay. As such, this alteration is interpreted as a disease-causing mutation.

Literature cited by the submitters: PubMed 20104584 (cited by Labcorp Genetics (formerly Invitae), Labcorp).

NM_000059.4(BRCA2):c.2466T>A (p.Cys822Ter)

Gene: BRCA2 (BRCA2 DNA repair associated; plus strand). Cytogenetic location: 13q13.1.
Variant type: single nucleotide variant.
Coding change: c.2466T>A on transcript NM_000059.4 (MANE Select); coding-DNA position 2466, T replaced by A.
Protein change: p.Cys822Ter; replaces cysteine 822 with a stop codon.
Molecular consequence: nonsense.
Genome position (GRCh38, 1-based): chr13:32,336,821, T>A. VCF-style: chr13-32336821-T-A. GRCh37 (hg19) VCF-style: chr13-32910958-T-A.
Other names: short protein forms C822*.
Identifiers: ClinVar variation 837131 (VCV000837131.11), dbSNP rs2072458139, ClinGen allele CA387772346.
Genomic context (GRCh38, chr13:32,336,821, plus strand): 5'-TTATGAATCTGATGTTGAATTAACCAAAAATATTCCCATGGAAAAGAATCAAGATGTATG[T>A]GCTTTAAATGAAAATTATAAAAACGTTGAGCTGTTGCCACCTGAAAAATACATGAGAGTA-3'